The following is an entry in ClinVar:

ClinVar aggregate classification (germline): Conflicting classifications of pathogenicity. Review status: criteria provided, conflicting classifications (1 of 4 stars). 5 submissions from 5 submitters: Uncertain significance (2); Likely benign (3). Last evaluated 2025-11-10.

Conditions:
Cardiovascular phenotype. Identifiers: MedGen CN230736.

Allele frequency attached by ClinVar (database versions not stated): TOPMed 0.00012; 1000 Genomes Project 30x 0.00062.
gnomAD v4.1: 169 of 1,545,246 alleles (0.011%); highest among the groups gnomAD compares: East Asian, 0.039%; 1 homozygote.

Submissions (5):

Women's Health and Genetics/Laboratory Corporation of America, LabCorp
Classification: Uncertain significance. Last evaluated: 2025-11-10. Review status: criteria provided, single submitter. Criteria: LabCorp Variant Classification Summary - May 2015. Collection method: clinical testing. Allele origin: germline.
Comment: Variant summary: ZNF469 c.10325G>T (p.Arg3442Met) results in a non-conservative amino acid change in the encoded protein sequence. Algorithms developed to predict the effect of missense changes on protein structure and function are either unavailable or do not agree on the potential impact of this missense change. The variant allele was found at a frequency of 0.00016 in 140870 control chromosomes in the gnomAD database, including 1 homozygotes. This frequency is not significantly higher than estimated for disease-causing variants in ZNF469, allowing no conclusion about variant significance. To our knowledge, no occurrence of c.10325G>T in individuals affected with ZNF469-related conditions and no experimental evidence demonstrating its impact on protein function have been reported. ClinVar contains an entry for this variant (Variation ID: 321012). Based on the evidence outlined above, the variant was classified as uncertain significance.

Mayo Clinic Laboratories, Mayo Clinic
Classification: Likely benign. Last evaluated: 2025-05-05. Review status: criteria provided, single submitter. Criteria: ACMG Guidelines, 2015. Collection method: clinical testing. Allele origin: germline. Observed: 2 variant alleles.
Comment: BS1, BP4_moderate

Labcorp Genetics (formerly Invitae), Labcorp
Classification: Uncertain significance. Last evaluated: 2022-08-19. Review status: criteria provided, single submitter. Criteria: Invitae Variant Classification Sherloc (09022015). Collection method: clinical testing. Allele origin: germline.
Comment: This sequence change replaces arginine, which is basic and polar, with methionine, which is neutral and non-polar, at codon 3414 of the ZNF469 protein (p.Arg3414Met). This variant is present in population databases (no rsID available, gnomAD 0.1%), including at least one homozygous and/or hemizygous individual. This variant has not been reported in the literature in individuals affected with ZNF469-related conditions. ClinVar contains an entry for this variant (Variation ID: 321012). Algorithms developed to predict the effect of missense changes on protein structure and function are either unavailable or do not agree on the potential impact of this missense change (SIFT: "Tolerated"; PolyPhen-2: "Possibly Damaging"; Align-GVGD: "Class C0"). In summary, the available evidence is currently insufficient to determine the role of this variant in disease. Therefore, it has been classified as a Variant of Uncertain Significance.

Ambry Genetics
Classification: Likely benign for Cardiovascular phenotype. Last evaluated: 2022-03-24. Review status: criteria provided, single submitter. Criteria: Ambry Variant Classification Scheme 2023. Collection method: clinical testing. Allele origin: germline.

GeneDx
Classification: Likely benign. Last evaluated: 2017-08-23. Review status: criteria provided, single submitter. Criteria: GeneDx Variant Classification (06012015). Collection method: clinical testing. Allele origin: germline. Affected: yes.
Comment: This variant is considered likely benign or benign based on one or more of the following criteria: it is a conservative change, it occurs at a poorly conserved position in the protein, it is predicted to be benign by multiple in silico algorithms, and/or has population frequency not consistent with disease.

NM_001367624.2(ZNF469):c.10325G>T (p.Arg3442Met)

Gene: ZNF469 (zinc finger protein 469; plus strand). Cytogenetic location: 16q24.2.
Variant type: single nucleotide variant.
Coding change: c.10325G>T on transcript NM_001367624.2 (MANE Select); coding-DNA position 10325, G replaced by T.
Protein change: p.Arg3442Met; replaces arginine 3442 with methionine.
Molecular consequence: missense variant.
Genome position (GRCh38, 1-based): chr16:88,437,795, G>T. VCF-style: chr16-88437795-G-T. GRCh37 (hg19) VCF-style: chr16-88504203-G-T.
Other names: NM_001127464.1:c.10241G>T; p.Arg3442Met; short protein forms R3442M.
Identifiers: ClinVar variation 321012 (VCV000321012.11), dbSNP rs199528724, ClinGen allele CA10638624.